The following is an entry in ClinVar:

ClinVar aggregate classification (germline): Likely benign (0 of 4 stars; one submission).

Conditions:
SEMA3F-related disorder. Also called: SEMA3F-related condition.

Allele frequency attached by ClinVar (database versions not stated): ExAC 0.00001; gnomAD exomes 0.00001; gnomAD 0.00002; TOPMed 0.00002; 1000 Genomes Project 30x 0.00016; 1000 Genomes Project 0.00020.
gnomAD v4.1: 16 of 1,613,988 alleles (0.00099%); highest among the groups gnomAD compares: East Asian, 0.0067%; no homozygotes.

Submission:

PreventionGenetics, part of Exact Sciences
Classification: Likely benign for SEMA3F-related condition. Last evaluated: 2022-09-08. Review status: no assertion criteria provided. Collection method: clinical testing. Allele origin: germline.
Comment: This variant is classified as likely benign based on ACMG/AMP sequence variant interpretation guidelines (Richards et al. 2015 PMID: 25741868, with internal and published modifications).

NM_004186.5(SEMA3F):c.1023C>T (p.Asp341=)

Gene: SEMA3F (semaphorin 3F; plus strand). Cytogenetic location: 3p21.31.
Variant type: single nucleotide variant.
Coding change: c.1023C>T on transcript NM_004186.5 (MANE Select); coding-DNA position 1023, C replaced by T.
Protein change: p.Asp341=; no amino-acid change (aspartic acid 341 retained).
Molecular consequence: synonymous variant.
Genome position (GRCh38, 1-based): chr3:50,183,190, C>T. VCF-style: chr3-50183190-C-T. GRCh37 (hg19) VCF-style: chr3-50220623-C-T.
Other names: c.726C>T, p.Asp242= (NM_001318798.2); c.930C>T, p.Asp310= (NM_001318800.2).
Identifiers: ClinVar variation 3030564 (VCV003030564.2), dbSNP rs188145590, ClinGen allele CA2412002.